The following is an entry in ClinVar:

NM_015557.3(CHD5):c.577C>T (p.Arg193Trp)

Gene: CHD5 (chromodomain helicase DNA binding protein 5; minus strand). Cytogenetic location: 1p36.31.
Variant type: single nucleotide variant.
Coding change: c.577C>T on transcript NM_015557.3 (MANE Select); coding-DNA position 577, C replaced by T.
Protein change: p.Arg193Trp; replaces arginine 193 with tryptophan.
Molecular consequence: missense variant.
Genome position (GRCh38, 1-based): chr1:6,154,828, G>A on the plus strand (C>T on the coding strand, the complement: CHD5 is on the minus strand). VCF-style: chr1-6154828-G-A. GRCh37 (hg19) VCF-style: chr1-6214888-G-A.
Other names: short protein forms R193W.
Identifiers: ClinVar variation 995774 (VCV000995774.3), dbSNP rs1571164162, ClinGen allele CA338088782.
Genomic context (GRCh38, chr1:6,154,828, plus strand): 5'-CCGCCGCCGCCGCTGCTGCCGCGGAGCTGCCCTTGAAGGGGTTGTTGGCGCTGAACTCCC[G>A]CCACTTGGCACCCAGGACGGTCATCATTTTGGACATGGGGATCTTCGGGTTCTTCTTGGC-3'
Protein context (NP_056372.1, residues 183-203): KMMTVLGAKW[Arg193Trp]EFSANNPFKG

ClinVar aggregate classification (germline): Pathogenic/Likely pathogenic. Review status: criteria provided, multiple submitters, no conflicts (2 of 4 stars). 2 submissions from 2 submitters: Pathogenic (1); Likely pathogenic (1). Last evaluated 2026-03-05.

Conditions:
Global developmental delay (DD). Also called: Cognitive delay. Identifiers: MedGen C0557874, HP:0001263. Disease mechanism: loss of function.
Parenti-mignot neurodevelopmental syndrome. Identifiers: MedGen C5676984, MONDO:0859249, OMIM 619873.

Allele frequency attached by ClinVar (database versions not stated): TOPMed below 0.00001.

Submissions (2):

Mendelics
Classification: Pathogenic for Parenti-mignot neurodevelopmental syndrome. Last evaluated: 2026-03-05. Review status: criteria provided, single submitter. Criteria: ACMG Guidelines, 2015. Collection method: clinical testing. Allele origin: unknown.
Comment: Likely pathogenic/Pathogenic according to ACMG criteria.

Institute for Human Genetics, University Hospital Essen
Classification: Likely pathogenic for Global developmental delay. Last evaluated: 2021-01-18. Review status: criteria provided, single submitter. Criteria: ACMG Guidelines, 2015. Collection method: research. Allele origin: inherited. Affected: yes.

Literature cited by the submitters: PubMed 33944996 (cited by Institute for Human Genetics, University Hospital Essen).